The following is an entry in ClinVar:

ClinVar aggregate classification (germline): Uncertain significance (1 of 4 stars; one submission).

Conditions:
CHARGE syndrome (CHARGE). Also called: Hittner Hirsch Kreh syndrome; CHARGE ASSOCIATION--COLOBOMA, HEART ANOMALY, CHOANAL ATRESIA, RETARDATION, GENITAL AND EAR ANOMALIES; Coloboma, heart anomaly, choanal atresia, retardation, genital and ear anomalies; CHARGE association; Hall-Hittner syndrome. Identifiers: Orphanet 138, MedGen C0265354, MONDO:0008965.

Submission:

Labcorp Genetics (formerly Invitae), Labcorp
Classification: Uncertain significance for CHARGE syndrome. Last evaluated: 2024-04-01. Review status: criteria provided, single submitter. Criteria: Invitae Variant Classification Sherloc (09022015). Collection method: clinical testing. Allele origin: germline.
Comment: This sequence change replaces arginine, which is basic and polar, with proline, which is neutral and non-polar, at codon 1629 of the CHD7 protein (p.Arg1629Pro). This variant is not present in population databases (gnomAD no frequency). This variant has not been reported in the literature in individuals affected with CHD7-related conditions. Advanced modeling of protein sequence and biophysical properties (such as structural, functional, and spatial information, amino acid conservation, physicochemical variation, residue mobility, and thermodynamic stability) has been performed at Invitae for this missense variant, however the output from this modeling did not meet the statistical confidence thresholds required to predict the impact of this variant on CHD7 protein function. In summary, the available evidence is currently insufficient to determine the role of this variant in disease. Therefore, it has been classified as a Variant of Uncertain Significance.

NM_017780.4(CHD7):c.4886G>C (p.Arg1629Pro)

Gene: CHD7 (chromodomain helicase DNA binding protein 7; plus strand). Cytogenetic location: 8q12.2.
Variant type: single nucleotide variant.
Coding change: c.4886G>C on transcript NM_017780.4 (MANE Select); coding-DNA position 4886, G replaced by C.
Protein change: p.Arg1629Pro; replaces arginine 1629 with proline.
Molecular consequence: missense variant. On other transcripts: intron variant (1).
Genome position (GRCh38, 1-based): chr8:60,844,899, G>C. VCF-style: chr8-60844899-G-C. GRCh37 (hg19) VCF-style: chr8-61757458-G-C.
Other names: c.1717-17330G>C (NM_001316690.1); short protein forms R1629P.
Identifiers: ClinVar variation 2701541 (VCV002701541.3), dbSNP rs920422227, ClinGen allele CA371319799.